The following is an entry in ClinVar:

ClinVar aggregate classification (germline): Uncertain significance (1 of 4 stars; one submission).

Conditions:
Charcot-Marie-Tooth disease type 2. Also called: Charcot-Marie-Tooth type 2. Identifiers: Orphanet 64746, MedGen C0270914, MONDO:0018993.

gnomAD v4.1: 6 of 1,613,864 alleles (0.00037%); highest among the groups gnomAD compares: Non-Finnish European, 0.00051%; no homozygotes.

Submission:

Labcorp Genetics (formerly Invitae), Labcorp
Classification: Uncertain significance for Charcot-Marie-Tooth disease type 2. Last evaluated: 2024-02-11. Review status: criteria provided, single submitter. Criteria: Invitae Variant Classification Sherloc (09022015). Collection method: clinical testing. Allele origin: germline.
Comment: This sequence change replaces proline, which is neutral and non-polar, with arginine, which is basic and polar, at codon 485 of the GARS protein (p.Pro485Arg). This variant is not present in population databases (gnomAD no frequency). This variant has not been reported in the literature in individuals affected with GARS-related conditions. Advanced modeling of protein sequence and biophysical properties (such as structural, functional, and spatial information, amino acid conservation, physicochemical variation, residue mobility, and thermodynamic stability) performed at Invitae indicates that this missense variant is not expected to disrupt GARS protein function with a negative predictive value of 95%. In summary, the available evidence is currently insufficient to determine the role of this variant in disease. Therefore, it has been classified as a Variant of Uncertain Significance.

NM_002047.4(GARS1):c.1454C>G (p.Pro485Arg)

Gene: GARS1 (glycyl-tRNA synthetase 1; plus strand). Cytogenetic location: 7p14.3.
Variant type: single nucleotide variant.
Coding change: c.1454C>G on transcript NM_002047.4 (MANE Select); coding-DNA position 1454, C replaced by G.
Protein change: p.Pro485Arg; replaces proline 485 with arginine.
Molecular consequence: missense variant.
Genome position (GRCh38, 1-based): chr7:30,621,487, C>G. VCF-style: chr7-30621487-C-G. GRCh37 (hg19) VCF-style: chr7-30661103-C-G.
Other names: c.1292C>G, p.Pro431Arg (NM_001316772.1); short protein forms P431R, P485R.
Identifiers: ClinVar variation 3000930 (VCV003000930.3), dbSNP rs1159290036, ClinGen allele CA367128369.
Genomic context (GRCh38, chr7:30,621,487, plus strand): 5'-CCTGTTATGACCTCTCCTGTCATGCACGAGCCACCAAAGTCCCACTTGTAGCTGAGAAAC[C>G]TCTGAAAGAACCCATATCCTTTCTGGTCACTCCAAAAACTCAGGATTCACATGTGAACAT-3'
Protein context (NP_002038.2, residues 475-495): ATKVPLVAEK[Pro485Arg]LKEPKTVNVV